The following is an entry in ClinVar:

NM_000053.4(ATP7B):c.2356-217G>A

Gene: ATP7B (ATPase copper transporting beta; minus strand). Cytogenetic location: 13q14.3.
Variant type: single nucleotide variant.
Coding change: c.2356-217G>A on transcript NM_000053.4 (MANE Select); 217 bases into the intron before coding-DNA position 2356, G replaced by A.
Molecular consequence: intron variant.
Genome position (GRCh38, 1-based): chr13:51,957,824, C>T on the plus strand (G>A on the coding strand, the complement: ATP7B is on the minus strand). VCF-style: chr13-51957824-C-T. GRCh37 (hg19) VCF-style: chr13-52531960-C-T.
Other names: c.2023-217G>A (NM_001243182.2); c.1870-217G>A (NM_001005918.3); c.2104-217G>A (NM_001330579.2); c.2122-217G>A (NM_001330578.2).
Identifiers: ClinVar variation 680481 (VCV000680481.1), dbSNP rs752569, ClinGen allele CA13831190.

ClinVar aggregate classification (germline): Benign (1 of 4 stars; one submission).

Allele frequency attached by ClinVar (database versions not stated): 1000 Genomes Project 0.54173; 1000 Genomes Project 30x 0.55231; gnomAD exomes 0.56608; gnomAD 0.57190 and 0.57418; TOPMed 0.57250.
gnomAD v4.1: 324,159 of 570,806 alleles (57%); highest among the groups gnomAD compares: Middle Eastern, 62%; 93,079 homozygotes.

Submission:

GeneDx
Classification: Benign. Last evaluated: 2018-06-14. Review status: criteria provided, single submitter. Criteria: GeneDx Variant Classification (06012015). Collection method: clinical testing. Allele origin: germline. Affected: yes.
Comment: This variant is considered likely benign or benign based on one or more of the following criteria: it is a conservative change, it occurs at a poorly conserved position in the protein, it is predicted to be benign by multiple in silico algorithms, and/or has population frequency not consistent with disease.